The following is an entry in ClinVar:

NM_001458.5(FLNC):c.2934G>A (p.Val978=)

Gene: FLNC (filamin C; plus strand). Cytogenetic location: 7q32.1.
Variant type: single nucleotide variant.
Coding change: c.2934G>A on transcript NM_001458.5 (MANE Select); coding-DNA position 2934, G replaced by A.
Protein change: p.Val978=; no amino-acid change (valine 978 retained).
Molecular consequence: synonymous variant.
Genome position (GRCh38, 1-based): chr7:128,844,008, G>A. VCF-style: chr7-128844008-G-A. GRCh37 (hg19) VCF-style: chr7-128484062-G-A.
Other names: c.2934G>A, p.Val978= (NM_001127487.2); c.2934G>A (NM_001458.4).
Identifiers: ClinVar variation 1156280 (VCV001156280.43), dbSNP rs771749289, ClinGen allele CA4474919.

ClinVar aggregate classification (germline): Conflicting classifications of pathogenicity. Review status: criteria provided, conflicting classifications (1 of 4 stars). 3 submissions from 3 submitters: Uncertain significance (1); Likely benign (2). Last evaluated 2025-08-11.

Conditions:
Cardiovascular phenotype. Identifiers: MedGen CN230736.
Myofibrillar myopathy 5. Also called: Filaminopathy (type); FILAMINOPATHY, AUTOSOMAL DOMINANT. Identifiers: Orphanet 171445, MedGen C1836050, MONDO:0012289, OMIM 609524.
Hypertrophic cardiomyopathy 26. Also called: Cardiomyopathy, familial hypertrophic, 26. Identifiers: Orphanet 75249, MedGen C4310749, MONDO:0014883, OMIM 617047.
Distal myopathy with posterior leg and anterior hand involvement. Also called: WILLIAMS DISTAL MYOPATHY. Identifiers: Orphanet 63273, MedGen C3279722, MONDO:0013550, OMIM 614065.

Allele frequency attached by ClinVar (database versions not stated): gnomAD exomes below 0.00001 and 0.00002; ExAC 0.00002.
gnomAD v4.1: 9 of 1,614,164 alleles (0.00056%); highest among the groups gnomAD compares: Middle Eastern, 0.049%; no homozygotes.

Submissions (3):

Labcorp Genetics (formerly Invitae), Labcorp
Classification: Likely benign for Distal myopathy with posterior leg and anterior hand involvement; Myofibrillar myopathy 5; Hypertrophic cardiomyopathy 26. Last evaluated: 2025-08-11. Review status: criteria provided, single submitter. Criteria: Invitae Variant Classification Sherloc (09022015). Collection method: clinical testing. Allele origin: germline.

Ambry Genetics
Classification: Uncertain significance for Cardiovascular phenotype. Last evaluated: 2024-01-19. Review status: criteria provided, single submitter. Criteria: Ambry Variant Classification Scheme 2023. Collection method: clinical testing. Allele origin: germline.
Comment: The c.2934G>A variant (also known as p.V978V), located in coding exon 20 of the FLNC gene, results from a G to A substitution at nucleotide position 2934. This nucleotide substitution does not change the valine at codon 978. This nucleotide position is not well conserved in available vertebrate species. In silico splice site analysis predicts that this alteration may result in the creation or strengthening of a novel splice acceptor site. Based on the available evidence, the clinical significance of this alteration remains unclear.

CeGaT Center for Human Genetics Tuebingen
Classification: Likely benign. Last evaluated: 2021-10-01. Review status: criteria provided, single submitter. Criteria: CeGaT Center For Human Genetics Tuebingen Variant Classification Criteria Version 2. Collection method: clinical testing. Allele origin: germline. Affected: yes. Observed: 1 variant allele.